The following is an entry in ClinVar:

NM_198578.4(LRRK2):c.1786T>C (p.Tyr596His)

Gene: LRRK2 (leucine rich repeat kinase 2; plus strand). Cytogenetic location: 12q12.
Variant type: single nucleotide variant.
Coding change: c.1786T>C on transcript NM_198578.4 (MANE Select); coding-DNA position 1786, T replaced by C.
Protein change: p.Tyr596His; replaces tyrosine 596 with histidine.
Molecular consequence: missense variant.
Genome position (GRCh38, 1-based): chr12:40,274,712, T>C. VCF-style: chr12-40274712-T-C. GRCh37 (hg19) VCF-style: chr12-40668514-T-C.
Other names: short protein forms Y596H.
Identifiers: ClinVar variation 1780100 (VCV001780100.2), dbSNP rs1017699656, ClinGen allele CA235328148.

ClinVar aggregate classification (germline): Uncertain significance (1 of 4 stars; one submission).

Conditions:
Inborn genetic diseases. Identifiers: MedGen C0950123, MeSH D030342.

Allele frequency attached by ClinVar (database versions not stated): TOPMed below 0.00001; gnomAD 0.00001.
gnomAD v4.1: 1 of 1,613,980 alleles (0.000062%); highest among the groups gnomAD compares: African/African-American, 0.0013%; no homozygotes.

Submission:

Ambry Genetics
Classification: Uncertain significance for Inborn genetic diseases. Last evaluated: 2022-04-21. Review status: criteria provided, single submitter. Criteria: Ambry Variant Classification Scheme 2023. Collection method: clinical testing. Allele origin: germline.
Comment: The p.Y596H variant (also known as c.1786T>C), located in coding exon 15 of the LRRK2 gene, results from a T to C substitution at nucleotide position 1786. The tyrosine at codon 596 is replaced by histidine, an amino acid with similar properties. This amino acid position is conserved. In addition, this alteration is predicted to be tolerated by in silico analysis. Since supporting evidence is limited at this time, the clinical significance of this alteration remains unclear.